The following is an entry in ClinVar:

NM_001371623.1(TCOF1):c.1776A>C (p.Ala592=)

Gene: TCOF1 (treacle ribosome biogenesis factor 1; plus strand). Cytogenetic location: 5q32.
Variant type: single nucleotide variant.
Coding change: c.1776A>C on transcript NM_001371623.1 (MANE Select); coding-DNA position 1776, A replaced by C.
Protein change: p.Ala592=; no amino-acid change (alanine 592 retained).
Molecular consequence: synonymous variant.
Genome position (GRCh38, 1-based): chr5:150,375,792, A>C. VCF-style: chr5-150375792-A-C. GRCh37 (hg19) VCF-style: chr5-149755355-A-C.
Other names: c.1545A>C, p.Ala515= (NM_000356.4, NM_001135245.2); c.1776A>C, p.Ala592= (NM_001008657.3, NM_001135243.2, NM_001135244.2 and 1 more transcripts).
Identifiers: ClinVar variation 2655927 (VCV002655927.24), dbSNP rs2533481001, ClinGen allele CA447408257.

ClinVar aggregate classification (germline): Likely benign (1 of 4 stars; one submission).

Submission:

CeGaT Center for Human Genetics Tuebingen
Classification: Likely benign. Last evaluated: 2022-03-01. Review status: criteria provided, single submitter. Criteria: CeGaT Center For Human Genetics Tuebingen Variant Classification Criteria Version 2. Collection method: clinical testing. Allele origin: germline. Affected: yes. Observed: 1 variant allele.
Comment: TCOF1: PM2:Supporting, BP4, BP7